The following is an entry in ClinVar:

ClinVar aggregate classification (germline): Pathogenic. Review status: criteria provided, multiple submitters, no conflicts (2 of 4 stars). 11 submissions from 11 submitters: Pathogenic (9). 2 of the submissions do not count toward it. Last evaluated 2025-02-03.

Conditions:
PRRT2-associated paroxysmal movement disorder. Identifiers: MedGen CN377744, MONDO:0100556.
PRRT2-Related Disorder. Also called: PRRT2-related disorders. Identifiers: MedGen CN381059.
Episodic kinesigenic dyskinesia (EKD). Also called: Paroxysmal kinesigenic dyskinesia. Identifiers: Orphanet 98809, MedGen C1868682, MONDO:0044202.
Seizures, benign familial infantile, 2 (BFIS2). Also called: CONVULSIONS, BENIGN FAMILIAL INFANTILE, 2. Identifiers: Orphanet 306, MedGen C1853995, MONDO:0011593, OMIM 605751.
Infantile convulsions and choreoathetosis (ICCA). Also called: PRRT2-Related Paroxysmal Kinesigenic Dyskinesia with Infantile Convulsions (PKD/IC); PAROXYSMAL KINESIGENIC DYSKINESIA WITH INFANTILE CONVULSIONS. Identifiers: Orphanet 31709, MedGen C1865926, MONDO:0011178, OMIM 602066.

Submissions (11):

Dasa
Classification: Pathogenic. Last evaluated: 2025-02-03. Review status: criteria provided, single submitter. Criteria: DASA Assertion Criteria. Collection method: clinical testing. Allele origin: germline.
Comment: NM_145239.3(PRRT2):c.649C>T (p.Arg217*) introduces a premature termination codon predicted to result in loss of normal protein function. Loss-of-function is an established mechanism of disease for this gene. This variant has been recurrently observed in individuals with related phenotype (PMID: 22464846; PMID: 22744660; PMID: 22752065; PMID: 22902309; PMID: 23363396). The variant is present at low frequency in population datasets. Based on the available data, this variant is classified as pathogenic.

Labcorp Genetics (formerly Invitae), Labcorp
Classification: Pathogenic for Episodic kinesigenic dyskinesia. Last evaluated: 2024-11-16. Review status: criteria provided, single submitter. Criteria: Invitae Variant Classification Sherloc (09022015). Collection method: clinical testing. Allele origin: germline.
Comment: This sequence change creates a premature translational stop signal (p.Arg217*) in the PRRT2 gene. It is expected to result in an absent or disrupted protein product. Loss-of-function variants in PRRT2 are known to be pathogenic (PMID: 22623405, 22744660). This variant is not present in population databases (gnomAD no frequency). This premature translational stop signal has been observed in individuals with paroxysmal kinesigenic dyskinesia, and infantile convulsions and paroxysmal choreoathetosis (PMID: 22464846, 22744660, 22752065, 22902309, 23363396, 28074849). ClinVar contains an entry for this variant (Variation ID: 468617). For these reasons, this variant has been classified as Pathogenic.

Victorian Clinical Genetics Services, Murdoch Childrens Research Institute
Classification: Pathogenic for PRRT2-associated paroxysmal movement disorder. Last evaluated: 2024-10-09. Review status: criteria provided, single submitter. Criteria: ACMG Guidelines, 2015. Collection method: clinical testing. Allele origin: germline. Inheritance: Autosomal dominant inheritance. Affected: yes.
Comment: Based on the classification scheme VCGS_Germline_v1.3.5, this variant is classified as Pathogenic. Following criteria are met: 0102 - Loss of function is a known mechanism of disease in this gene and is associated with familial infantile convulsions with paroxysmal choreoathetosis (MIM#602066), episodic kinesigenic dyskinesia 1 (MIM#128200), benign familial infantile seizures 2 (MIM#605751) and self-limited familial and non-familial infantile seizures (MONDO#0100024). (I) 0107 - This gene is associated with autosomal dominant disease. (I) 0112 - The condition associated with this gene has incomplete penetrance. Reduced penetrance has been reported for paroxysmal kinesigenic dyskinesia (PMID: 29334453). (I) 0115 - Variants in this gene are known to have variable expressivity. Variation in phenotype has been reported within and between families with the same pathogenic variant (PMID: 29334453). (I) 0201 - Variant is predicted to cause nonsense-mediated decay (NMD) and loss of protein (premature termination codon is located at least 54 nucleotides upstream of the final exon-exon junction). (SP) 0251 - This variant is heterozygous. (I) 0302 - Variant is present in gnomAD (v4) <0.001 for a dominant condition (3 heterozygotes, 0 homozygotes). (SP) 0701 - Other NMD-predicted variants comparable to the one identified in this case have very strong previous evidence for pathogenicity (DECIPHER). (SP) 0801 - This variant has strong previous evidence of pathogenicity in unrelated individuals. This variant has been classified as pathogenic by multiple clinical laboratories in ClinVar, and has been observed in a family with PRRT2-related symptoms (PMID: 28074849). (SP) 1101 - Very strong and specific phenotype match for this individual. (I) Legend: (SP) - Supporting pathogenic, (I) - Information, (SB) - Supporting benign

3billion
Classification: Pathogenic for Infantile convulsions and choreoathetosis. Last evaluated: 2023-08-06. Review status: criteria provided, single submitter. Criteria: ACMG Guidelines, 2015. Collection method: clinical testing. Allele origin: germline. Affected: yes.
Comment: The variant is not observed in the gnomAD v2.1.1 dataset. Predicted Consequence/Location: Stop-gained (nonsense): predicted to result in a loss or disruption of normal protein function through nonsense-mediated decay (NMD) or protein truncation. Multiple pathogenic variants are reported downstream of the variant. The variant has been reported at least twice as pathogenic without evidence for the classification (ClinVar ID: VCV000468617 /PMID: 22744660). Therefore, this variant is classified as Pathogenic according to the recommendation of ACMG/AMP guideline.

CeGaT Center for Human Genetics Tuebingen
Classification: Pathogenic. Last evaluated: 2023-08-01. Review status: criteria provided, single submitter. Criteria: CeGaT Center For Human Genetics Tuebingen Variant Classification Criteria Version 2. Collection method: clinical testing. Allele origin: germline. Affected: yes. Observed: 1 variant allele.
Comment: PRRT2: PVS1, PM2, PP1:Moderate, PS4:Moderate, PS3:Supporting

MGZ Medical Genetics Center
Classification: Pathogenic for Seizures, benign familial infantile, 2. Last evaluated: 2022-08-29. Review status: criteria provided, single submitter. Criteria: ACMG Guidelines, 2015. Collection method: clinical testing. Allele origin: germline. Affected: yes. Observed: 1 variant allele.
Comment: ACMG criteria applied: PVS1, PS4_MOD, PM2_SUP

GeneDx
Classification: Pathogenic. Last evaluated: 2022-06-29. Review status: criteria provided, single submitter. Criteria: GeneDx Variant Classification Process June 2021. Collection method: clinical testing. Allele origin: germline. Affected: yes.
Comment: Nonsense variant predicted to result in protein truncation or nonsense mediated decay in a gene for which loss-of-function is a known mechanism of disease; Not observed at significant frequency in large population cohorts (gnomAD); This variant is associated with the following publications: (PMID: 25340963, 28074849, 22464846, 22902309, 23551744, 22744660, 23363396, 24370076, 22752065, 29285950, 29655203, 32651081)

Blueprint Genetics
Classification: Pathogenic for PRRT2-related disorders. Last evaluated: 2021-09-09. Review status: criteria provided, single submitter. Criteria: ACMG Guidelines, 2015. Collection method: clinical testing. Allele origin: germline. Affected: yes. Observed: 2 variant alleles.

Baylor Genetics
Classification: Pathogenic for Infantile convulsions and choreoathetosis. Last evaluated: 2020-01-20. Review status: criteria provided, single submitter. Criteria: ACMG Guidelines, 2015. Collection method: clinical testing. Allele origin: unknown. Affected: yes.
Comment: This variant was determined to be pathogenic according to ACMG Guidelines, 2015 [PMID:25741868].

Genome Diagnostics Laboratory, Amsterdam University Medical Center
Classification: Pathogenic. Review status: no assertion criteria provided. Collection method: clinical testing. Allele origin: germline. Affected: yes. Study: VKGL Data-share Consensus. Not counted in ClinVar's aggregate classification.

Genome Diagnostics Laboratory, University Medical Center Utrecht
Classification: Pathogenic. Review status: no assertion criteria provided. Collection method: clinical testing. Allele origin: germline. Affected: yes. Study: VKGL Data-share Consensus. Not counted in ClinVar's aggregate classification.

Literature cited by the submitters: PubMed 22464846 (cited by Dasa and Labcorp Genetics (formerly Invitae), Labcorp); PubMed 22744660 (cited by 3 submitters); PubMed 22752065 (cited by Dasa and Labcorp Genetics (formerly Invitae), Labcorp); PubMed 22902309 (cited by Dasa and Labcorp Genetics (formerly Invitae), Labcorp); PubMed 23363396 (cited by Dasa and Labcorp Genetics (formerly Invitae), Labcorp); PubMed 28074849 (cited by 3 submitters); PubMed 22623405 (cited by Labcorp Genetics (formerly Invitae), Labcorp); PubMed 29334453 (cited by Victorian Clinical Genetics Services, Murdoch Childrens Research Institute).

NM_145239.3(PRRT2):c.649C>T (p.Arg217Ter)

Genes: MVP-DT (MVP divergent transcript; minus strand), PRRT2 (proline rich transmembrane protein 2; plus strand). Cytogenetic location: 16p11.2.
Variant type: single nucleotide variant.
Coding change: c.649C>T on transcript NM_145239.3 (MANE Select); coding-DNA position 649, C replaced by T.
Protein change: p.Arg217Ter; replaces arginine 217 with a stop codon.
Molecular consequence: nonsense.
Genome position (GRCh38, 1-based): chr16:29,813,703, C>T. VCF-style: chr16-29813703-C-T. GRCh37 (hg19) VCF-style: chr16-29825024-C-T.
Other names: c.649C>T, p.Arg217Ter (NM_001256442.2, NM_001256443.2); short protein forms R217*.
Identifiers: ClinVar variation 468617 (VCV000468617.47), dbSNP rs77838305, ClinGen allele CA395479169.